The following is an entry in ClinVar:

NM_198428.3(BBS9):c.2518C>T (p.Pro840Ser)

Gene: BBS9 (Bardet-Biedl syndrome 9; plus strand). Cytogenetic location: 7p14.3.
Variant type: single nucleotide variant.
Coding change: c.2518C>T on transcript NM_198428.3 (MANE Select); coding-DNA position 2518, C replaced by T.
Protein change: p.Pro840Ser; replaces proline 840 with serine.
Molecular consequence: missense variant. On other transcripts: non-coding transcript variant (3).
Genome position (GRCh38, 1-based): chr7:33,534,173, C>T. VCF-style: chr7-33534173-C-T. GRCh37 (hg19) VCF-style: chr7-33573785-C-T.
Other names: c.2413C>T, p.Pro805Ser (NM_001033604.2); c.2503C>T, p.Pro835Ser (NM_001033605.2); c.2518C>T, p.Pro840Ser (NM_001348036.1, NM_001348041.4, NM_001348043.3 and 3 more transcripts); c.1969C>T, p.Pro657Ser (NM_001348037.3); c.2245C>T, p.Pro749Ser (NM_001348038.3); c.2140C>T, p.Pro714Ser (NM_001348039.3); c.2398C>T, p.Pro800Ser (NM_001348040.3, NM_014451.4); c.2383C>T, p.Pro795Ser (NM_001348042.3); and 3 more; short protein forms P657S, P683S, P805S, P714S, P718S, P800S, P835S, P795S.
Identifiers: ClinVar variation 2011640 (VCV002011640.4), dbSNP rs2537673020, ClinGen allele CA367257155.

ClinVar aggregate classification (germline): Uncertain significance. Review status: criteria provided, multiple submitters, no conflicts (2 of 4 stars). 2 submissions from 2 submitters: Uncertain significance (2). Last evaluated 2025-09-24.

Conditions:
BBS9-related disorder. Also called: BBS9-related condition.
Bardet-Biedl syndrome (BBS). Identifiers: Orphanet 110, MedGen C0752166, MONDO:0015229.

Submissions (2):

PreventionGenetics, part of Exact Sciences
Classification: Uncertain significance for BBS9-related condition. Last evaluated: 2025-09-24. Review status: criteria provided, single submitter. Criteria: ACMG Guidelines, 2015. Collection method: clinical testing. Allele origin: germline.
Comment: The BBS9 c.2518C>T variant is predicted to result in the amino acid substitution p.Pro840Ser. To our knowledge, this variant has not been reported in the literature or in a large population database (gnomAD), indicating this variant is rare. At this time, the clinical significance of this variant is uncertain due to the absence of conclusive functional and genetic evidence.

Labcorp Genetics (formerly Invitae), Labcorp
Classification: Uncertain significance for Bardet-Biedl syndrome. Last evaluated: 2024-05-20. Review status: criteria provided, single submitter. Criteria: Invitae Variant Classification Sherloc (09022015). Collection method: clinical testing. Allele origin: germline.
Comment: This sequence change replaces proline, which is neutral and non-polar, with serine, which is neutral and polar, at codon 840 of the BBS9 protein (p.Pro840Ser). This variant is not present in population databases (gnomAD no frequency). This variant has not been reported in the literature in individuals affected with BBS9-related conditions. ClinVar contains an entry for this variant (Variation ID: 2011640). An algorithm developed to predict the effect of missense changes on protein structure and function (PolyPhen-2) suggests that this variant is likely to be disruptive. In summary, the available evidence is currently insufficient to determine the role of this variant in disease. Therefore, it has been classified as a Variant of Uncertain Significance.